The following is an entry in ClinVar:

NM_000487.6(ARSA):c.1294G>T (p.Asp432Tyr)

Gene: ARSA (arylsulfatase A; minus strand). Cytogenetic location: 22q13.33.
Variant type: single nucleotide variant.
Coding change: c.1294G>T on transcript NM_000487.6 (MANE Select); coding-DNA position 1294, G replaced by T.
Protein change: p.Asp432Tyr; replaces aspartic acid 432 with tyrosine.
Molecular consequence: missense variant.
Genome position (GRCh38, 1-based): chr22:50,625,381, C>A on the plus strand (G>T on the coding strand, the complement: ARSA is on the minus strand). VCF-style: chr22-50625381-C-A. GRCh37 (hg19) VCF-style: chr22-51063809-C-A.
Other names: p.Asp432Tyr; c.1294G>T, p.Asp432Tyr (NM_001085425.3, NM_001085426.3, NM_001085427.3); c.1036G>T, p.Asp346Tyr (NM_001085428.3, NM_001362782.2); short protein forms D346Y, D432Y.
Identifiers: ClinVar variation 5021441 (VCV005021441.2), dbSNP rs74315267.
Genomic context (GRCh38, chr22:50,625,381, plus strand): 5'-GGGTGGCCCCGGCCACACCCCCCAGCAGGTTGTAGTTCTCACCAGGGTCCTTGGACAGGT[C>A]ATAGAGCAGCGGGGGCTCATGAGCAGTCAGAGAGCTGGAGGCGTGGCAGGCAGGGTCTGC-3'
Protein context (NP_000478.3, residues 422-442): LTAHEPPLLY[Asp432Tyr]LSKDPGENYN

ClinVar aggregate classification (germline): Likely pathogenic (1 of 4 stars; one submission).

Conditions:
Metachromatic leukodystrophy (MLD). Also called: ARSA DEFICIENCY; CEREBROSIDE SULFATASE DEFICIENCY; METACHROMATIC LEUKOENCEPHALOPATHY; SULFATIDE LIPIDOSIS; Cerebral sclerosis diffuse metachromatic form; Arylsulfatase A Deficiency. Identifiers: Orphanet 512, MedGen C0023522, MONDO:0018868, OMIM 250100.

Allele frequency attached by ClinVar (database versions not stated): ExAC 0.00001.

Submissions (2):

Foundation for Research in Genetics and Endocrinology, FRIGE's Institute of Human Genetics
Classification: Likely pathogenic for Metachromatic leukodystrophy. Last evaluated: 2026-09-21. Review status: criteria provided, single submitter. Criteria: ACMG Guidelines, 2015. Collection method: clinical testing. Allele origin: germline. Inheritance: Autosomal recessive inheritance. Affected: yes. Observed: 1 variant allele, 1 compound heterozygote.
Comment: A heterozygous missense variant in exon 8 of the ARSA gene that results in the amino acid substitution of Tyrosine for Aspartic acid at codon 432 was detected. The observed variant c.1294G>T (p.Asp432Tyr) has not been reported in the 1000 genomes database and has a minor allele frequency of 0.0004% in the gnomAD databases. The in silico prediction of the variant is deleterious by PolyPhen-2, MutationTaster2, FATHMM and DANN. In summary, the variant meets our criteria to be classified as likely pathogenic.

Gelb Laboratory, University of Washington
No classification provided (evidence only). Condition: Metachromatic leukodystrophy. Review status: no classification provided. Collection method: in vitro. Allele origin: not applicable. Functional consequence: loss of function. Not counted in ClinVar's aggregate classification.